The following is an entry in ClinVar:

NM_007294.4(BRCA1):c.2521C>T (p.Arg841Trp)

Gene: BRCA1 (BRCA1 DNA repair associated; minus strand). Cytogenetic location: 17q21.31.
Variant type: single nucleotide variant.
Coding change: c.2521C>T on transcript NM_007294.4 (MANE Select); coding-DNA position 2521, C replaced by T.
Protein change: p.Arg841Trp; replaces arginine 841 with tryptophan.
Molecular consequence: missense variant. On other transcripts: intron variant (137).
Genome position (GRCh38, 1-based): chr17:43,093,010, G>A on the plus strand (C>T on the coding strand, the complement: BRCA1 is on the minus strand). VCF-style: chr17-43093010-G-A. GRCh37 (hg19) VCF-style: chr17-41245027-G-A.
Other names: p.R841W:CGG>TGG; 2640C>T; c.2521C>T, p.Arg841Trp (NM_001407603.1, NM_001407605.1, NM_001407616.1 and 30 more transcripts); c.2518C>T, p.Arg840Trp (NM_001407610.1, NM_001407611.1, NM_001407612.1 and 22 more transcripts); c.2512C>T, p.Arg838Trp (NM_001407647.1, NM_001407646.1); c.2398C>T, p.Arg800Trp (NM_001407648.1, NM_001407668.1, NM_001407669.1 and 19 more transcripts); c.2395C>T, p.Arg799Trp (NM_001407649.1, NM_001407670.1, NM_001407671.1 and 11 more transcripts); c.2443C>T, p.Arg815Trp (NM_001407653.1, NM_001407654.1, NM_001407655.1 and 4 more transcripts); and 43 more; short protein forms R841W, R794W, R840W, R673W, R730W, R752W, R799W, R838W.
Identifiers: ClinVar variation 17681 (VCV000017681.113), dbSNP rs1800709, ClinGen allele CA001670.

ClinVar aggregate classification (germline): Benign. Review status: reviewed by expert panel (3 of 4 stars). 43 submissions from 43 submitters: Benign (1). 42 of the submissions do not count toward it. Last evaluated 2015-08-10.

Conditions:
Familial cancer of breast. Also called: hereditary breast carcinoma; BREAST CANCER, FAMILIAL; Hereditary breast cancer. Identifiers: Orphanet 227535, MedGen C0346153, MONDO:0016419, OMIM 114480. Disease mechanism: loss of function.
Fanconi anemia, complementation group S (FANCS). Identifiers: MedGen C4554406, MONDO:0054748, OMIM 617883.
Pancreatic cancer, susceptibility to, 4. Identifiers: Orphanet 1333, MedGen C3280442, MONDO:0013685, OMIM 614320.
Breast-ovarian cancer, familial, susceptibility to, 1 (BROVCA1). Also called: OVARIAN CANCER, SUSCEPTIBILITY TO; BRCA1 Hereditary Breast and Ovarian Cancer. Identifiers: Orphanet 145, MedGen C2676676, MONDO:0011450, OMIM 604370. Disease mechanism: loss of function.
Breast and/or ovarian cancer. Identifiers: MedGen CN221562.
Hereditary cancer-predisposing syndrome. Also called: Hereditary neoplastic syndrome; Hereditary Cancer Syndrome; Neoplastic Syndromes, Hereditary; Tumor predisposition. Identifiers: Orphanet 140162, MedGen C0027672, MeSH D009386, MONDO:0015356.
Hereditary breast ovarian cancer syndrome. Also called: Hereditary breast and ovarian cancer syndrome; Hereditary breast and ovarian cancer syndrome (HBOC); Breast and ovarian cancer; Hereditary breast and/or ovarian cancer syndrome; BRCA1- and BRCA2-Associated Hereditary Breast and Ovarian Cancer; Hereditary breast and ovarian cancer. Identifiers: Orphanet 145, MedGen C0677776, MeSH D061325, MONDO:0003582. Disease mechanism: loss of function.

Allele frequency attached by ClinVar (database versions not stated): gnomAD 0.00152 and 0.00137; 1000 Genomes Project 30x 0.00219; TOPMed 0.00145; gnomAD exomes 0.00167; 1000 Genomes Project 0.00220; ExAC 0.00172.

Submissions 1 to 20 of 43:

Evidence-based Network for the Interpretation of Germline Mutant Alleles (ENIGMA)
Classification: Benign for Breast-ovarian cancer, familial 1. Last evaluated: 2015-08-10. Review status: reviewed by expert panel. Criteria: ENIGMA BRCA1/2 Classification Criteria (2015). Collection method: curation. Allele origin: germline.
Comment: IARC class based on posterior probability from multifactorial likelihood analysis, thresholds for class as per Plon et al. 2008 (PMID: 18951446). Class 1 based on posterior probability = 0.00000000000229

CeGaT Center for Human Genetics Tuebingen
Classification: Benign. Last evaluated: 2026-09-01. Review status: criteria provided, single submitter. Criteria: CeGaT Center For Human Genetics Tuebingen Variant Classification Criteria Version 2. Collection method: clinical testing. Allele origin: germline. Affected: yes. Observed: 22 variant alleles. Not counted in ClinVar's aggregate classification.
Comment: BRCA1: BP4, BS1, BS2

Labcorp Genetics (formerly Invitae), Labcorp
Classification: Benign for Hereditary breast ovarian cancer syndrome. Last evaluated: 2026-02-03. Review status: criteria provided, single submitter. Criteria: Invitae Variant Classification Sherloc (09022015). Collection method: clinical testing. Allele origin: germline. Not counted in ClinVar's aggregate classification.

ARUP Laboratories, Molecular Genetics and Genomics, ARUP Laboratories
Classification: Benign. Last evaluated: 2025-06-23. Review status: criteria provided, single submitter. Criteria: ARUP Molecular Germline Variant Investigation Process 2024. Collection method: clinical testing. Allele origin: germline. Not counted in ClinVar's aggregate classification.

Center for Genomic Medicine, Rigshospitalet, Copenhagen University Hospital
Classification: Benign. Last evaluated: 2025-03-04. Review status: criteria provided, single submitter. Criteria: ACMG Guidelines, 2015. Collection method: clinical testing. Allele origin: germline. Not counted in ClinVar's aggregate classification.

Blueprint Genetics
Classification: Likely benign. Last evaluated: 2024-11-25. Review status: criteria provided, single submitter. Criteria: ACMG Guidelines, 2015. Collection method: clinical testing. Allele origin: germline. Not counted in ClinVar's aggregate classification.

KCCC/NGS Laboratory, Kuwait Cancer Control Center
Classification: Benign for Breast-ovarian cancer, familial, susceptibility to, 1. Last evaluated: 2023-07-07. Review status: criteria provided, single submitter. Criteria: ACMG Guidelines, 2015. Collection method: clinical testing. Allele origin: germline. Affected: yes. Not counted in ClinVar's aggregate classification.

Quest Diagnostics Nichols Institute San Juan Capistrano
Classification: Benign. Last evaluated: 2023-03-21. Review status: criteria provided, single submitter. Criteria: Quest Diagnostics criteria. Collection method: clinical testing. Allele origin: unknown. Not counted in ClinVar's aggregate classification.

Fulgent Genetics
Classification: Benign for Familial cancer of breast; Breast-ovarian cancer, familial, susceptibility to, 1; Pancreatic cancer, susceptibility to, 4; Fanconi anemia, complementation group S. Last evaluated: 2022-03-22. Review status: criteria provided, single submitter. Criteria: ACMG Guidelines, 2015. Collection method: clinical testing. Allele origin: unknown. Not counted in ClinVar's aggregate classification.

Genetics Program, Instituto Nacional de Cancer
Classification: Likely benign for Hereditary breast ovarian cancer syndrome. Last evaluated: 2021-11-01. Review status: criteria provided, single submitter. Criteria: ACMG Guidelines, 2015. Collection method: research. Allele origin: germline. Affected: yes. Not counted in ClinVar's aggregate classification.

Sema4
Classification: Benign for Hereditary cancer-predisposing syndrome. Last evaluated: 2020-07-15. Review status: criteria provided, single submitter. Criteria: Sema4 Curation Guidelines. Collection method: curation. Allele origin: germline. Not counted in ClinVar's aggregate classification.

Centre for Mendelian Genomics, University Medical Centre Ljubljana
Classification: Likely benign for Familial cancer of breast. Last evaluated: 2019-11-08. Review status: criteria provided, single submitter. Criteria: ACMG Guidelines, 2015. Collection method: clinical testing. Allele origin: unknown. Affected: yes. Not counted in ClinVar's aggregate classification.
Comment: This variant was classified as: Likely benign. The following ACMG criteria were applied in classifying this variant: BP1,BP4,BP6.

Mendelics
Classification: Likely benign for Breast-ovarian cancer, familial, susceptibility to, 1. Last evaluated: 2019-05-28. Review status: criteria provided, single submitter. Criteria: Mendelics Assertion Criteria 2017. Collection method: clinical testing. Allele origin: unknown. Not counted in ClinVar's aggregate classification.

CHEO Genetics Diagnostic Laboratory, Children's Hospital of Eastern Ontario
Classification: Benign for Breast and/or ovarian cancer. Last evaluated: 2019-03-14. Review status: criteria provided, single submitter. Criteria: ACMG Guidelines, 2015. Collection method: clinical testing. Allele origin: germline. Not counted in ClinVar's aggregate classification.

Illumina Laboratory Services, Illumina
Classification: Likely benign for Breast-ovarian cancer, familial, susceptibility to, 1. Last evaluated: 2019-01-30. Review status: criteria provided, single submitter. Criteria: ICSL Variant Classification Criteria 13 December 2019. Collection method: clinical testing. Allele origin: germline. Not counted in ClinVar's aggregate classification.
Comment: This variant was observed as part of a predisposition screen in an ostensibly healthy population. A literature search was performed for the gene, cDNA change, and amino acid change (where applicable). No publications were found based on this search. Allele frequency data from public databases allowed determination this variant is unlikely to cause disease. Therefore, this variant is classified as likely benign.

Cancer Genetics and Genomics Laboratory, British Columbia Cancer Agency
Classification: Benign. Last evaluated: 2017-04-18. Review status: criteria provided, single submitter. Criteria: ACMG Guidelines, 2015. Collection method: clinical testing. Allele origin: germline. Study: The Canadian Open Genetics Repository (COGR). Not counted in ClinVar's aggregate classification.

Baylor Genetics
Classification: Benign for Familial cancer of breast. Last evaluated: 2017-02-23. Review status: criteria provided, single submitter. Criteria: ACMG Guidelines, 2015. Collection method: clinical testing. Allele origin: germline. Inheritance: Autosomal dominant inheritance. Affected: no. Not counted in ClinVar's aggregate classification.

Molecular Genetics Laboratory, University of Michigan
Classification: Benign for Breast-ovarian cancer, familial, susceptibility to, 1. Last evaluated: 2016-04-21. Review status: criteria provided, single submitter. Criteria: ACMG Guidelines, 2015. Collection method: clinical testing. Allele origin: germline. Affected: yes. Not counted in ClinVar's aggregate classification.

Laboratory for Molecular Medicine, Mass General Brigham Personalized Medicine
Classification: Likely benign. Last evaluated: 2016-03-29. Review status: criteria provided, single submitter. Criteria: LMM Criteria. Collection method: clinical testing. Allele origin: germline. Not counted in ClinVar's aggregate classification.
Comment: Variant identified in a genome or exome case(s) and assessed due to predicted null impact of the variant or pathogenic assertions in the literature or databases. Disclaimer: This variant has not undergone full assessment. The following are preliminary notes: ExAC: 0.2% (145/66714) European chromosomes; ClinVar: 7 labs classify as benign

Genomic Diagnostic Laboratory, Division of Genomic Diagnostics, Children's Hospital of Philadelphia
Classification: Likely benign for Hereditary Breast and Ovarian Cancer. Last evaluated: 2015-11-06. Review status: criteria provided, single submitter. Criteria: DGD Variant Analysis Guidelines. Collection method: clinical testing. Allele origin: unknown. Not counted in ClinVar's aggregate classification.